The following is an entry in ClinVar:

ClinVar aggregate classification (germline): Benign/Likely benign. Review status: criteria provided, multiple submitters, no conflicts (2 of 4 stars). 4 submissions from 4 submitters: Benign (1); Likely benign (2). 1 of the submissions does not count toward it. Last evaluated 2026-01-15.

Conditions:
C2CD3-related disorder. Also called: C2CD3-related condition.

Allele frequency attached by ClinVar (database versions not stated): 1000 Genomes Project 30x 0.00016; 1000 Genomes Project 0.00020; gnomAD exomes 0.00163; TOPMed 0.00166; ExAC 0.00171; gnomAD 0.00183 and 0.00190.
gnomAD v4.1: 2,564 of 1,536,230 alleles (0.17%); highest among the groups gnomAD compares: Non-Finnish European, 0.2%; 14 homozygotes.

Submissions (4):

Labcorp Genetics (formerly Invitae), Labcorp
Classification: Benign. Last evaluated: 2026-01-15. Review status: criteria provided, single submitter. Criteria: Invitae Variant Classification Sherloc (09022015). Collection method: clinical testing. Allele origin: germline.

CeGaT Center for Human Genetics Tuebingen
Classification: Likely benign. Last evaluated: 2025-01-01. Review status: criteria provided, single submitter. Criteria: CeGaT Center For Human Genetics Tuebingen Variant Classification Criteria Version 2. Collection method: clinical testing. Allele origin: germline. Affected: yes. Observed: 5 variant alleles.
Comment: C2CD3: BP4, BP7, BS2

Blueprint Genetics
Classification: Likely benign. Last evaluated: 2024-11-27. Review status: criteria provided, single submitter. Criteria: ACMG Guidelines, 2015. Collection method: clinical testing. Allele origin: germline.

PreventionGenetics, part of Exact Sciences
Classification: Likely benign for C2CD3-related condition. Last evaluated: 2019-05-24. Review status: no assertion criteria provided. Collection method: clinical testing. Allele origin: germline. Not counted in ClinVar's aggregate classification.
Comment: This variant is classified as likely benign based on ACMG/AMP sequence variant interpretation guidelines (Richards et al. 2015 PMID: 25741868, with internal and published modifications).

NM_001286577.2(C2CD3):c.6237G>A (p.Thr2079=)

Gene: C2CD3 (C2 domain containing 3 centriole elongation regulator; minus strand). Cytogenetic location: 11q13.4.
Variant type: single nucleotide variant.
Coding change: c.6237G>A on transcript NM_001286577.2 (MANE Select); coding-DNA position 6237, G replaced by A.
Protein change: p.Thr2079=; no amino-acid change (threonine 2079 retained).
Molecular consequence: synonymous variant.
Genome position (GRCh38, 1-based): chr11:74,033,923, C>T on the plus strand (G>A on the coding strand, the complement: C2CD3 is on the minus strand). VCF-style: chr11-74033923-C-T. GRCh37 (hg19) VCF-style: chr11-73744968-C-T.
Other names: c.6237G>A (NM_001286577.1).
Identifiers: ClinVar variation 1012988 (VCV001012988.45), dbSNP rs192323211, ClinGen allele CA6181718.